The following is an entry in ClinVar:

ClinVar aggregate classification (germline): Uncertain significance (1 of 4 stars; one submission).

Conditions:
Familial cancer of breast. Also called: BREAST CANCER, FAMILIAL; Hereditary breast cancer; hereditary breast carcinoma. Identifiers: Orphanet 227535, MedGen C0346153, MONDO:0016419, OMIM 114480. Disease mechanism: loss of function.
Fanconi anemia complementation group J. Also called: BRIP1-Related Fanconi Anemia. Identifiers: Orphanet 84, MedGen C1836860, MONDO:0012187, OMIM 609054.

gnomAD v4.1: 1 of 1,611,684 alleles (0.000062%); highest among the groups gnomAD compares: Non-Finnish European, 0.000085%; no homozygotes.

Submission:

Labcorp Genetics (formerly Invitae), Labcorp
Classification: Uncertain significance for Familial cancer of breast; Fanconi anemia complementation group J. Last evaluated: 2022-05-24. Review status: criteria provided, single submitter. Criteria: Invitae Variant Classification Sherloc (09022015). Collection method: clinical testing. Allele origin: germline.
Comment: This sequence change replaces histidine, which is basic and polar, with leucine, which is neutral and non-polar, at codon 1227 of the BRIP1 protein (p.His1227Leu). In summary, the available evidence is currently insufficient to determine the role of this variant in disease. Therefore, it has been classified as a Variant of Uncertain Significance. Algorithms developed to predict the effect of missense changes on protein structure and function output the following: SIFT: "Tolerated"; PolyPhen-2: "Benign"; Align-GVGD: "Class C0". The leucine amino acid residue is found in multiple mammalian species, which suggests that this missense change does not adversely affect protein function. This variant has not been reported in the literature in individuals affected with BRIP1-related conditions. This variant is not present in population databases (gnomAD no frequency).

NM_032043.3(BRIP1):c.3680A>T (p.His1227Leu)

Gene: BRIP1 (BRCA1 interacting DNA helicase 1; minus strand). Cytogenetic location: 17q23.2.
Variant type: single nucleotide variant.
Coding change: c.3680A>T on transcript NM_032043.3 (MANE Select); coding-DNA position 3680, A replaced by T.
Protein change: p.His1227Leu; replaces histidine 1227 with leucine.
Molecular consequence: missense variant.
Genome position (GRCh38, 1-based): chr17:61,683,366, T>A on the plus strand (A>T on the coding strand, the complement: BRIP1 is on the minus strand). VCF-style: chr17-61683366-T-A. GRCh37 (hg19) VCF-style: chr17-59760727-T-A.
Other names: short protein forms H1227L.
Identifiers: ClinVar variation 1998139 (VCV001998139.4), dbSNP rs755069935, ClinGen allele CA400477839.